The following continues an entry in ClinVar:

NM_054012.4(ASS1):c.1087C>T (p.Arg363Trp)

Gene: ASS1. ClinVar aggregate classification (germline): Pathogenic/Likely pathogenic. Pathogenic (16); Likely pathogenic (1).

Submissions 13 to 18 of 18:

ARUP Laboratories, Molecular Genetics and Genomics, ARUP Laboratories
Classification: Pathogenic for Citrullinemia type I. Last evaluated: 2019-10-04. Review status: criteria provided, single submitter. Criteria: ARUP Molecular Germline Variant Investigation Process. Collection method: clinical testing. Allele origin: germline.
Comment: The ASS1 c.1087C>T, p.Arg363Trp variant (rs121908640) is reported in the literature in multiple individuals affected with citrullinemia, either in a homozygous state or compound heterozygous with another pathogenic variant (Diez-Fernandez 2017, Faghfoury 2011, Gao 2003, Haberle 2003, Kobayashi 1990, Mohamed 2015, Wasant 2005). This variant is reported as pathogenic or likely pathogenic by multiple laboratories in ClinVar (Variation ID: 6328), and is only observed on 8 alleles in the Genome Aggregation Database, indicating it is not a common polymorphism. The arginine at codon 363 is moderately conserved, and computational analyses (SIFT: damaging, PolyPhen-2: benign) predict conflicting effects of this variant on protein structure/function. However, arginine 363 is implicated in tetramer binding, which is critical for protein function (Diez-Fernandez 2017). Additionally, other amino acid substitutions at this codon (Gly, Leu, Gln) have been reported in individuals with citrullinemia (Gao 2003, Mohamed 2015). Based on available information, the p.Arg363Trp variant is considered to be pathogenic. References: Diez-Fernandez C et al. Mutations in the Human Argininosuccinate Synthetase (ASS1) Gene, Impact on Patients, Common Changes, and Structural Considerations. Hum Mutat. 2017 May;38(5):471-484. Faghfoury H et al. Transient fulminant liver failure as an initial presentation in citrullinemia type I. Mol Genet Metab. 2011; 102(4):413-7. Gao H et al. Identification of 16 novel mutations in the argininosuccinate synthetase gene and genotype-phenotype correlation in 38 classical citrullinemia patients. Hum Mutat. 2003; 22(1):24-34. Haberle J et al. Mild citrullinemia in Caucasians is an allelic variant of argininosuccinate synthetase deficiency (citrullinemia type 1). Mol Genet Metab. 2003 Nov;80(3):302-6. Kobayashi K et al. Heterogeneity of mutations in argininosuccinate synthetase causing human citrullinemia. J Biol Chem. 1990; 265(19):11361-7. Mohamed S et al. Neurometabolic Disorders-Related Early Childhood Epilepsy: A Single-Center Experience in Saudi Arabia. Pediatr Neonatol. 2015 Dec;56(6):393-401. Wasant P et al. Argininosuccinate synthetase deficiency: mutation analysis in 3 Thai patients. Southeast Asian J Trop Med Public Health. 2005; 36(3):757-61.

Fulgent Genetics
Classification: Pathogenic for Citrullinemia type I. Last evaluated: 2018-10-31. Review status: criteria provided, single submitter. Criteria: ACMG Guidelines, 2015. Collection method: clinical testing. Allele origin: unknown.

Eurofins Ntd Llc (ga)
Classification: Pathogenic. Last evaluated: 2018-04-25. Review status: criteria provided, single submitter. Criteria: EGL ClinVar v180209 classification definitions. Collection method: clinical testing. Allele origin: germline. Observed: 6 variant alleles, 6 heterozygotes.

Center for Pediatric Genomic Medicine, Children's Mercy Hospital and Clinics
Classification: Pathogenic. Last evaluated: 2015-06-30. Review status: criteria provided, single submitter. Criteria: ACMG Guidelines, 2015. Collection method: clinical testing. Allele origin: germline.

Juno Genomics, Hangzhou Juno Genomics, Inc
Classification: Pathogenic for Citrullinemia type I. Review status: criteria provided, single submitter. Criteria: ACMG Guidelines, 2015. Collection method: clinical testing. Allele origin: germline.
Comment: Absent from controls (or at extremely low frequency if recessive) in Genome Aggregation Database.;Well-established in vitro or in vivo functional studies supportive of a damaging effect on the gene or gene product.;For recessive disorders, detected in trans with a pathogenic variant.;Patient's phenotype or family history is highly specific for a disease with a single genetic etiology.

OMIM
Classification: Pathogenic for CITRULLINEMIA, CLASSIC. Last evaluated: 2013-04-04. Review status: no assertion criteria provided. Collection method: literature only. Allele origin: germline. Not counted in ClinVar's aggregate classification.

Literature cited by the submitters: PubMed 2358466 (cited by 3 submitters); PubMed 12815590 (cited by Labcorp Genetics (formerly Invitae), Labcorp); PubMed 14680976 (cited by 3 submitters); PubMed 16124451 (cited by 4 submitters); PubMed 25537548 (cited by Labcorp Genetics (formerly Invitae), Labcorp and Myriad Genetics, Inc.); PubMed 26117549 (cited by Labcorp Genetics (formerly Invitae), Labcorp and Myriad Genetics, Inc.); PubMed 28111830 (cited by Labcorp Genetics (formerly Invitae), Labcorp); PubMed 8792870 (cited by Labcorp Genetics (formerly Invitae), Labcorp); PubMed 31469252 (cited by Women's Health and Genetics/Laboratory Corporation of America, LabCorp and Myriad Genetics, Inc.); PubMed 30904546 (cited by Myriad Genetics, Inc.); PubMed 31056765 (cited by Myriad Genetics, Inc.); Kobayashi, K., Jackson, M. J., Tick, D. B., O'Brien, W. E., Beaudet, A. L. Characterization of nine mutant alleles causing citrullinemia. (Abstract) Am. J. Hum. Genet. 45 (suppl.): A201-only, 1989. (cited by OMIM).